The following is an entry in ClinVar:

NM_000088.4(COL1A1):c.3135del (p.Gly1046fs)

Gene: COL1A1 (collagen type I alpha 1 chain; minus strand). Cytogenetic location: 17q21.33.
Variant type: Deletion.
Coding change: c.3135del on transcript NM_000088.4 (MANE Select); coding-DNA position 3135, one base deleted (T; older notation c.3135delT).
Protein change: p.Gly1046fs; shifts the reading frame from glycine 1046.
Molecular consequence: frameshift variant.
Genome position (GRCh38, 1-based): chr17:50,188,602, A deleted on the plus strand (T on the coding strand, the reverse complement: COL1A1 is on the minus strand). VCF-style (leftmost placement, unchanged base first): chr17-50188601-CA-C. GRCh37 (hg19) VCF-style: chr17-48265962-CA-C.
Other names: short protein forms G1046fs.
Identifiers: ClinVar variation 817616 (VCV000817616.9), dbSNP rs1598288002, ClinGen allele CA915950597.

ClinVar aggregate classification (germline): Pathogenic. Review status: criteria provided, multiple submitters, no conflicts (2 of 4 stars). 4 submissions from 4 submitters: Pathogenic (4). Last evaluated 2024-11-20.

Conditions:
COL1A1-related disorder. Also called: COL1A1- related disease; COL1A1-related condition.
Osteogenesis imperfecta type I (OI1). Also called: Lobstein disease; OI, TYPE I; OSTEOGENESIS IMPERFECTA TARDA; OSTEOGENESIS IMPERFECTA WITH BLUE SCLERAE; Classic Non-deforming Osteogenesis Imperfecta with Blue Sclerae; Osteogenesis imperfecta type 1. Identifiers: Orphanet 216796, Orphanet 666, MedGen C0023931, MONDO:0008146, OMIM 166200. Disease mechanism: loss of function.

Submissions (4):

MVZ Martinsried, Medicover Genetics
Classification: Pathogenic for Osteogenesis imperfecta type I. Last evaluated: 2024-11-20. Review status: criteria provided, single submitter. Criteria: ACGS Guidelines, 2020. Collection method: clinical testing. Allele origin: unknown. Affected: yes. Observed: 1 heterozygote.

Labcorp Genetics (formerly Invitae), Labcorp
Classification: Pathogenic for Osteogenesis imperfecta type I. Last evaluated: 2022-11-30. Review status: criteria provided, single submitter. Criteria: Invitae Variant Classification Sherloc (09022015). Collection method: clinical testing. Allele origin: germline.
Comment: This premature translational stop signal has been observed in individual(s) with osteogenesis imperfecta (PMID: 27509835). This variant is not present in population databases (gnomAD no frequency). This sequence change creates a premature translational stop signal (p.Gly1046Valfs*62) in the COL1A1 gene. It is expected to result in an absent or disrupted protein product. Loss-of-function variants in COL1A1 are known to be pathogenic (PMID: 7942841, 9295084, 9443882). For these reasons, this variant has been classified as Pathogenic. ClinVar contains an entry for this variant (Variation ID: 817616).

Blueprint Genetics
Classification: Pathogenic for COL1A1-related disorders. Last evaluated: 2019-09-20. Review status: criteria provided, single submitter. Criteria: ACMG Guidelines, 2015. Collection method: clinical testing. Allele origin: germline. Affected: yes. Observed: 1 variant allele.

GeneDx
Classification: Pathogenic. Last evaluated: 2018-08-14. Review status: criteria provided, single submitter. Criteria: GeneDx Variant Classification (06012015). Collection method: clinical testing. Allele origin: germline. Affected: yes.
Comment: The c.3135delT pathogenic variant in the COL1A1 gene has been reported previously in association with osteogenesis imperfecta (Bardai et al., 2016). The c.3135delT variant is not observed in large population cohorts (Lek et al., 2016). The deletion causes a frameshift starting with codon Glycine 1046, changes this amino acid to a Valine residue and creates a premature Stop codon at position 62 of the new reading frame, denoted p.Gly1046ValfsX62. This pathogenic variant is predicted to cause loss of normal protein function either through protein truncation or nonsense-mediated mRNA decay.

Literature cited by the submitters: PubMed 27509835 (cited by Labcorp Genetics (formerly Invitae), Labcorp); PubMed 7942841 (cited by Labcorp Genetics (formerly Invitae), Labcorp); PubMed 9295084 (cited by Labcorp Genetics (formerly Invitae), Labcorp); PubMed 9443882 (cited by Labcorp Genetics (formerly Invitae), Labcorp).